The following is an entry in ClinVar:

NM_000291.4(PGK1):c.231C>T (p.Ser77=)

Gene: PGK1 (phosphoglycerate kinase 1; plus strand). Cytogenetic location: Xq21.1.
Variant type: single nucleotide variant.
Coding change: c.231C>T on transcript NM_000291.4 (MANE Select); coding-DNA position 231, C replaced by T.
Protein change: p.Ser77=; no amino-acid change (serine 77 retained).
Molecular consequence: synonymous variant.
Genome position (GRCh38, 1-based): chrX:78,113,858, C>T. VCF-style: chrX-78113858-C-T. GRCh37 (hg19) VCF-style: chrX-77369355-C-T.
Identifiers: ClinVar variation 2660966 (VCV002660966.24), dbSNP rs199906447, ClinGen allele CA331585640.
Genomic context (GRCh38, chrX:78,113,858, plus strand): 5'-GGTAGTCCTTATGAGCCACCTAGGCCGGCCTGATGGTGTGCCCATGCCTGACAAGTACTC[C>T]TTAGAGCCAGTTGCTGTAGAACTCAAATCTCTGCTGGGCAAGTAAGTGCCAGGCTCTGGT-3'
Protein context (NP_000282.1, residues 67-87): PDGVPMPDKY[Ser77=]LEPVAVELKS

ClinVar aggregate classification (germline): Likely benign (1 of 4 stars; one submission).

Submission:

CeGaT Center for Human Genetics Tuebingen
Classification: Likely benign. Last evaluated: 2022-11-01. Review status: criteria provided, single submitter. Criteria: CeGaT Center For Human Genetics Tuebingen Variant Classification Criteria Version 2. Collection method: clinical testing. Allele origin: germline. Affected: yes. Observed: 1 variant allele.
Comment: PGK1: PM2:Supporting, BP4, BP7